The following is an entry in ClinVar:

NM_001330700.2(TOP2B):c.2417A>G (p.Gln806Arg)

Gene: TOP2B (DNA topoisomerase II beta; minus strand). Cytogenetic location: 3p24.2.
Variant type: single nucleotide variant.
Coding change: c.2417A>G on transcript NM_001330700.2 (MANE Select); coding-DNA position 2417, A replaced by G.
Protein change: p.Gln806Arg; replaces glutamine 806 with arginine.
Molecular consequence: missense variant.
Genome position (GRCh38, 1-based): chr3:25,624,375, T>C on the plus strand (A>G on the coding strand, the complement: TOP2B is on the minus strand). VCF-style: chr3-25624375-T-C. GRCh37 (hg19) VCF-style: chr3-25665866-T-C.
Other names: c.2402A>G, p.Gln801Arg (NM_001068.3); short protein forms Q806R, Q801R.
Identifiers: ClinVar variation 2997483 (VCV002997483.3), dbSNP rs767985627, ClinGen allele CA2288491.

ClinVar aggregate classification (germline): Uncertain significance (1 of 4 stars; one submission).

Allele frequency attached by ClinVar (database versions not stated): ExAC 0.00001; gnomAD 0.00001; gnomAD exomes 0.00002; TOPMed 0.00002.
gnomAD v4.1: 26 of 1,613,846 alleles (0.0016%); highest among the groups gnomAD compares: African/African-American, 0.0027%; no homozygotes.

Submission:

Labcorp Genetics (formerly Invitae), Labcorp
Classification: Uncertain significance. Last evaluated: 2023-01-15. Review status: criteria provided, single submitter. Criteria: Invitae Variant Classification Sherloc (09022015). Collection method: clinical testing. Allele origin: germline.
Comment: This sequence change replaces glutamine, which is neutral and polar, with arginine, which is basic and polar, at codon 801 of the TOP2B protein (p.Gln801Arg). This variant is present in population databases (rs767985627, gnomAD 0.003%). This variant has not been reported in the literature in individuals affected with TOP2B-related conditions. Algorithms developed to predict the effect of missense changes on protein structure and function (SIFT, PolyPhen-2, Align-GVGD) all suggest that this variant is likely to be tolerated. In summary, the available evidence is currently insufficient to determine the role of this variant in disease. Therefore, it has been classified as a Variant of Uncertain Significance.